The following is an entry in ClinVar:

NM_006648.4(WNK2):c.4319A>C (p.His1440Pro)

Gene: WNK2 (WNK lysine deficient protein kinase 2; plus strand). Cytogenetic location: 9q22.31.
Variant type: single nucleotide variant.
Coding change: c.4319A>C on transcript NM_006648.4 (MANE Select); coding-DNA position 4319, A replaced by C.
Protein change: p.His1440Pro; replaces histidine 1440 with proline.
Molecular consequence: missense variant.
Genome position (GRCh38, 1-based): chr9:93,289,073, A>C. VCF-style: chr9-93289073-A-C. GRCh37 (hg19) VCF-style: chr9-96051355-A-C.
Other names: c.4430A>C, p.His1477Pro (NM_001282394.3); short protein forms H1477P, H1440P.
Identifiers: ClinVar variation 5031827 (VCV005031827.1).

ClinVar aggregate classification (germline): Uncertain significance (1 of 4 stars; one submission).

Submission:

Ambry Genetics
Classification: Uncertain significance. Last evaluated: 2026-07-05. Review status: criteria provided, single submitter. Criteria: Ambry Variant Classification Scheme 2023. Collection method: clinical testing. Allele origin: germline.
Comment: The p.H1440P variant (also known as c.4319A>C), located in coding exon 19 of the WNK2 gene, results from an A to C substitution at nucleotide position 4319. The histidine at codon 1440 is replaced by proline, an amino acid with similar properties. This amino acid position is conserved. In addition, this alteration is predicted to be tolerated by in silico analysis. Based on the available evidence, the clinical significance of this variant remains unclear.